The following is an entry in ClinVar:

NM_000051.4(ATM):c.2066C>G (p.Ser689Ter)

Gene: ATM (ATM serine/threonine kinase; plus strand). Cytogenetic location: 11q22.3.
Variant type: single nucleotide variant.
Coding change: c.2066C>G on transcript NM_000051.4 (MANE Select); coding-DNA position 2066, C replaced by G.
Protein change: p.Ser689Ter; replaces serine 689 with a stop codon.
Molecular consequence: nonsense.
Genome position (GRCh38, 1-based): chr11:108,253,981, C>G. VCF-style: chr11-108253981-C-G. GRCh37 (hg19) VCF-style: chr11-108124708-C-G.
Other names: c.2066C>G, p.Ser689Ter (NM_001351834.2); short protein forms S689*.
Identifiers: ClinVar variation 2679755 (VCV002679755.2), dbSNP rs1591534804, ClinGen allele CA382537508.
Genomic context (GRCh38, chr11:108,253,981, plus strand): 5'-GTGGTATAGAAAAGCACCAGTCCAGTATTGGCTTCTCTGTCCACCAGAATCTCAAGGAAT[C>G]ACTGGATCGCTGTCTTCTGGGATTATCAGAACAGCTTCTGAATAATTACTCATCTGAGGT-3'

ClinVar aggregate classification (germline): Pathogenic. Review status: criteria provided, multiple submitters, no conflicts (2 of 4 stars). 2 submissions from 2 submitters: Pathogenic (2). Last evaluated 2024-01-17.

Conditions:
Familial cancer of breast. Also called: hereditary breast carcinoma; BREAST CANCER, FAMILIAL; Hereditary breast cancer. Identifiers: Orphanet 227535, MedGen C0346153, MONDO:0016419, OMIM 114480. Disease mechanism: loss of function.

Submissions (2):

Myriad Genetics, Inc.
Classification: Pathogenic for Familial cancer of breast. Last evaluated: 2024-01-17. Review status: criteria provided, single submitter. Criteria: Myriad Autosomal Dominant, Autosomal Recessive and X-Linked Classification Criteria (2023). Collection method: clinical testing. Allele origin: unknown.
Comment: This variant is considered pathogenic. This variant creates a termination codon and is predicted to result in premature protein truncation.

Baylor Genetics
Classification: Pathogenic for Familial cancer of breast. Last evaluated: 2022-11-30. Review status: criteria provided, single submitter. Criteria: ACMG Guidelines, 2015. Collection method: clinical testing. Allele origin: unknown.